The following is an entry in ClinVar:

NM_020975.6(RET):c.375C>A (p.Val125=)

Gene: RET (ret proto-oncogene; plus strand). Cytogenetic location: 10q11.21.
Variant type: single nucleotide variant.
Coding change: c.375C>A on transcript NM_020975.6 (MANE Select); coding-DNA position 375, C replaced by A.
Protein change: p.Val125=; no amino-acid change (valine 125 retained).
Molecular consequence: synonymous variant. On other transcripts: intron variant (22).
Genome position (GRCh38, 1-based): chr10:43,102,379, C>A. VCF-style: chr10-43102379-C-A. GRCh37 (hg19) VCF-style: chr10-43597827-C-A.
Other names: p.Val125=; c.375C>A, p.Val125= (NM_000323.2, NM_001406743.1, NM_001406744.1 and 16 more transcripts); c.338-92C>A (NM_001406764.1, NM_001406762.1, NM_001406761.1 and 4 more transcripts); c.337+1657C>A (NM_001406770.1, NM_001406766.1, NM_001406767.1 and 8 more transcripts); c.74-6652C>A (NM_001406784.1); c.74-9720C>A (NM_001406794.1, NM_001406792.1, NM_001406793.1).
Identifiers: ClinVar variation 95997 (VCV000095997.83), dbSNP rs1800859, ClinGen allele CA009244.

ClinVar aggregate classification (germline): Benign/Likely benign. Review status: criteria provided, multiple submitters, no conflicts (2 of 4 stars). 25 submissions from 21 submitters: Benign (17); Likely benign (4). 4 of the submissions do not count toward it. Last evaluated 2026-09-01.

Conditions:
Pheochromocytoma. Also called: MAX-Related Hereditary Paraganglioma-Pheochromocytoma Syndrome. Identifiers: Orphanet 29072, MedGen C0031511, MONDO:0008233, OMIM 171300, HP:0002666.
Hirschsprung disease, susceptibility to, 1 (HSCR1). Also called: RET-Related Hirschsprung Disease. Identifiers: Orphanet 388, MedGen C3888239, MONDO:0007723, OMIM 142623.
Familial medullary thyroid carcinoma (MTC). Also called: Thyroid cancer, familial medullary; MTC, familial; Familial Medullary Thyroid Carcinoma (FMTC). Identifiers: Orphanet 653, Orphanet 99361, MedGen C1833921, MONDO:0007958, OMIM 155240.
Multiple endocrine neoplasia type 2B. Also called: MEN IIB; NEUROMATA, MUCOSAL, WITH ENDOCRINE TUMORS; WAGENMANN-FROBOESE SYNDROME; MULTIPLE ENDOCRINE NEOPLASIA, TYPE III; MULTIPLE ENDOCRINE NEOPLASIA, TYPE IIB; MEN 2B. Identifiers: Orphanet 247709, Orphanet 653, MedGen C0025269, MeSH D018814, MONDO:0008082, OMIM 162300.
Multiple endocrine neoplasia type 2A. Also called: Multiple Endocrine Neoplasia Type 2A (MEN2A); MULTIPLE ENDOCRINE NEOPLASIA, TYPE IIA; PTC SYNDROME; SIPPLE SYNDROME; MEN 2A; MEN-2A syndrome. Identifiers: Orphanet 247698, Orphanet 653, MedGen C0025268, MeSH D018813, MONDO:0008234, OMIM 171400.
Hereditary cancer-predisposing syndrome. Also called: Tumor predisposition; Hereditary neoplastic syndrome; Hereditary Cancer Syndrome; Neoplastic Syndromes, Hereditary. Identifiers: Orphanet 140162, MedGen C0027672, MeSH D009386, MONDO:0015356.
Multiple endocrine neoplasia. Identifiers: Orphanet 276161, MedGen C0027662, MONDO:0017169.
Multiple endocrine neoplasia, type 2 (MEN2). Identifiers: Orphanet 653, MedGen C4048306, MONDO:0019003. Disease mechanism: gain of function.
Aganglionic megacolon (HSCR). Also called: Hirschsprung's disease; Hirschsprung disease. Identifiers: Orphanet 388, MedGen C0019569, MeSH D006627, MONDO:0018309, HP:0002251.
Renal hypodysplasia/aplasia 1 (RHDA1). Also called: RENAL APLASIA; HEREDITARY RENAL APLASIA. Identifiers: Orphanet 411709, MedGen C1619700, MONDO:0024519, OMIM 191830.

Allele frequency attached by ClinVar (database versions not stated): ESP Exome Variant Server 0.00877; 1000 Genomes Project 30x 0.00500; ExAC 0.00671; gnomAD 0.00847 and 0.00877; 1000 Genomes Project 0.00539; TOPMed 0.00900; gnomAD exomes 0.00736.
gnomAD v4.1: 16,425 of 1,614,248 alleles (1%); highest among the groups gnomAD compares: Middle Eastern, 1.6%; 115 homozygotes.

Submissions 1 to 19 of 33:

CeGaT Center for Human Genetics Tuebingen
Classification: Benign. Last evaluated: 2026-09-01. Review status: criteria provided, single submitter. Criteria: CeGaT Center For Human Genetics Tuebingen Variant Classification Criteria Version 2. Collection method: clinical testing. Allele origin: germline. Affected: yes. Observed: 180 variant alleles.
Comment: RET: BS1, BS2

Labcorp Genetics (formerly Invitae), Labcorp
Classification: Benign for Multiple endocrine neoplasia, type 2. Last evaluated: 2026-02-04. Review status: criteria provided, single submitter. Criteria: Invitae Variant Classification Sherloc (09022015). Collection method: clinical testing. Allele origin: germline.

ARUP Laboratories, Molecular Genetics and Genomics, ARUP Laboratories
Classification: Benign. Last evaluated: 2025-04-13. Review status: criteria provided, single submitter. Criteria: ARUP Molecular Germline Variant Investigation Process 2024. Collection method: clinical testing. Allele origin: germline.

Center for Genomic Medicine, Rigshospitalet, Copenhagen University Hospital
Classification: Benign. Last evaluated: 2025-03-04. Review status: criteria provided, single submitter. Criteria: ACMG Guidelines, 2015. Collection method: clinical testing. Allele origin: germline.

Mayo Clinic Laboratories, Mayo Clinic
Classification: Likely benign. Last evaluated: 2025-02-27. Review status: criteria provided, single submitter. Criteria: ACMG Guidelines, 2015. Collection method: clinical testing. Allele origin: germline. Observed: 31 variant alleles.
Comment: BS1, BP6

KCCC/NGS Laboratory, Kuwait Cancer Control Center
Classification: Benign for Pheochromocytoma. Last evaluated: 2025-02-01. Review status: criteria provided, single submitter. Criteria: ACMG Guidelines, 2015. Collection method: clinical testing. Allele origin: germline. Affected: no.

Blueprint Genetics
Classification: Likely benign. Last evaluated: 2024-11-27. Review status: criteria provided, single submitter. Criteria: ACMG Guidelines, 2015. Collection method: clinical testing. Allele origin: germline.

KCCC/NGS Laboratory, Kuwait Cancer Control Center
Classification: Benign for Multiple endocrine neoplasia type 2B. Last evaluated: 2023-07-07. Review status: criteria provided, single submitter. Criteria: ACMG Guidelines, 2015. Collection method: clinical testing. Allele origin: germline. Affected: yes.

Department of Pathology and Laboratory Medicine, Sinai Health System
Classification: Benign for Hirschsprung disease, susceptibility to, 1; Familial medullary thyroid carcinoma; Multiple endocrine neoplasia type 2B; Pheochromocytoma; Multiple endocrine neoplasia type 2A. Last evaluated: 2023-01-04. Review status: criteria provided, single submitter. Criteria: ACMG Guidelines, 2015. Collection method: clinical testing. Allele origin: germline. Affected: yes.

Color Diagnostics, LLC DBA Color Health
Classification: Benign for Multiple endocrine neoplasia, type 2. Last evaluated: 2022-09-20. Review status: criteria provided, single submitter. Criteria: ACMG Guidelines, 2015. Collection method: clinical testing. Allele origin: germline.

Illumina Laboratory Services, Illumina
Classification: Benign for Multiple endocrine neoplasia. Last evaluated: 2018-01-13. Review status: criteria provided, single submitter. Criteria: ICSL Variant Classification Criteria 13 December 2019. Collection method: clinical testing. Allele origin: germline.
Comment: This variant was observed in the ICSL laboratory as part of a predisposition screen in an ostensibly healthy population. It had not been previously curated by ICSL or reported in the Human Gene Mutation Database (HGMD: prior to June 1st, 2018), and was therefore a candidate for classification through an automated scoring system. Utilizing variant allele frequency, disease prevalence and penetrance estimates, and inheritance mode, an automated score was calculated to assess if this variant is too frequent to cause the disease. Based on the score and internal cut-off values, a variant classified as benign is not then subjected to further curation. The score for this variant resulted in a classification of benign for this disease.

Illumina Laboratory Services, Illumina
Classification: Benign for Hirschsprung disease, susceptibility to, 1. Last evaluated: 2018-01-13. Review status: criteria provided, single submitter. Criteria: ICSL Variant Classification Criteria 13 December 2019. Collection method: clinical testing. Allele origin: germline.
Comment: the same text as in the submission from Illumina Laboratory Services, Illumina above.

Illumina Laboratory Services, Illumina
Classification: Likely benign for Renal hypodysplasia/aplasia 1. Last evaluated: 2018-01-13. Review status: criteria provided, single submitter. Criteria: ICSL Variant Classification Criteria 13 December 2019. Collection method: clinical testing. Allele origin: germline.
Comment: This variant was observed in the ICSL laboratory as part of a predisposition screen in an ostensibly healthy population. It had not been previously curated by ICSL or reported in the Human Gene Mutation Database (HGMD: prior to June 1st, 2018), and was therefore a candidate for classification through an automated scoring system. Utilizing variant allele frequency, disease prevalence and penetrance estimates, and inheritance mode, an automated score was calculated to assess if this variant is too frequent to cause the disease. Based on the score and internal cut-off values, a variant classified as likely benign is not then subjected to further curation. The score for this variant resulted in a classification of likely benign for this disease.

Illumina Laboratory Services, Illumina
Classification: Benign for Pheochromocytoma. Last evaluated: 2018-01-13. Review status: criteria provided, single submitter. Criteria: ICSL Variant Classification Criteria 13 December 2019. Collection method: clinical testing. Allele origin: germline.
Comment: the same text as in the submission from Illumina Laboratory Services, Illumina above.

Athena Diagnostics
Classification: Benign. Last evaluated: 2017-10-19. Review status: criteria provided, single submitter. Criteria: Athena Diagnostics Criteria. Collection method: clinical testing. Allele origin: germline.

GeneDx
Classification: Benign. Last evaluated: 2015-05-08. Review status: criteria provided, single submitter. Criteria: GeneDx Variant Classification (06012015). Collection method: clinical testing. Allele origin: germline. Affected: yes.
Comment: This variant is considered likely benign or benign based on one or more of the following criteria: it is a conservative change, it occurs at a poorly conserved position in the protein, it is predicted to be benign by multiple in silico algorithms, and/or has population frequency not consistent with disease.

Ambry Genetics
Classification: Benign for Hereditary cancer-predisposing syndrome. Last evaluated: 2014-11-25. Review status: criteria provided, single submitter. Criteria: Ambry Variant Classification Scheme 2023. Collection method: clinical testing. Allele origin: germline.

Laboratory for Molecular Medicine, Mass General Brigham Personalized Medicine
Classification: Benign. Last evaluated: 2013-02-21. Review status: criteria provided, single submitter. Criteria: LMM Criteria. Collection method: clinical testing. Allele origin: germline. Observed: 1 variant allele.
Comment: Val125Val in exon 3 of RET: This variant is not expected to have clinical signif icance because it does not alter an amino acid residue and is not located within the splice consensus sequence. It has been identified in 1.2% (102/8600) of Eur opean American chromosomes from a broad population by the NHLBI Exome Sequencing Project (dbSNP rs1800859).

Eurofins Ntd Llc (ga)
Classification: Benign. Last evaluated: 2012-08-20. Review status: criteria provided, single submitter. Criteria: EGL Classification Definitions 2015. Collection method: clinical testing. Allele origin: germline. Observed: 2 variant alleles, 2 heterozygotes.